The following is an entry in ClinVar:

ClinVar aggregate classification (germline): Likely benign. Review status: criteria provided, single submitter (1 of 4 stars). 2 submissions from 2 submitters: Likely benign (1). 1 of the submissions does not count toward it. Last evaluated 2025-12-10.

Conditions:
Thrombophilia due to protein S deficiency, autosomal recessive (THPH6). Identifiers: Orphanet 743, MedGen C3281092, MONDO:0013791, OMIM 614514. Disease mechanism: loss of function.
PROS1-related disorder. Also called: PROS1-related condition.

Allele frequency attached by ClinVar (database versions not stated): ExAC 0.00003; gnomAD exomes 0.00003; gnomAD 0.00004 and 0.00005; ESP Exome Variant Server 0.00008.
gnomAD v4.1: 52 of 1,613,882 alleles (0.0032%); highest among the groups gnomAD compares: East Asian, 0.0067%; no homozygotes.

Submissions (2):

Labcorp Genetics (formerly Invitae), Labcorp
Classification: Likely benign for Thrombophilia due to protein S deficiency, autosomal recessive. Last evaluated: 2025-12-10. Review status: criteria provided, single submitter. Criteria: Invitae Variant Classification Sherloc (09022015). Collection method: clinical testing. Allele origin: germline.

PreventionGenetics, part of Exact Sciences
Classification: Likely benign for PROS1-related condition. Last evaluated: 2023-12-27. Review status: no assertion criteria provided. Collection method: clinical testing. Allele origin: germline. Not counted in ClinVar's aggregate classification.
Comment: This variant is classified as likely benign based on ACMG/AMP sequence variant interpretation guidelines (Richards et al. 2015 PMID: 25741868, with internal and published modifications).

NM_000313.4(PROS1):c.1020C>T (p.Tyr340=)

Gene: PROS1 (protein S; minus strand). Cytogenetic location: 3q11.1.
Variant type: single nucleotide variant.
Coding change: c.1020C>T on transcript NM_000313.4 (MANE Select); coding-DNA position 1020, C replaced by T.
Protein change: p.Tyr340=; no amino-acid change (tyrosine 340 retained).
Molecular consequence: synonymous variant.
Genome position (GRCh38, 1-based): chr3:93,893,068, G>A on the plus strand (C>T on the coding strand, the complement: PROS1 is on the minus strand). VCF-style: chr3-93893068-G-A. GRCh37 (hg19) VCF-style: chr3-93611912-G-A.
Other names: c.1116C>T, p.Tyr372= (NM_001314077.2); c.1020C>T (NM_000313.3).
Identifiers: ClinVar variation 1098950 (VCV001098950.9), dbSNP rs374634410, ClinGen allele CA2503290.